The following is an entry in ClinVar:

ClinVar aggregate classification (germline): Uncertain significance (1 of 4 stars; one submission).

Conditions:
Frontometaphyseal dysplasia (FMD1). Identifiers: Orphanet 1826, MedGen C0265293, MONDO:0015942.
Melnick-Needles syndrome (MNS). Also called: MELNICK-NEEDLES OSTEODYSPLASTY; OSTEODYSPLASTY OF MELNICK AND NEEDLES; Melnick-Needles Syndrome (FLNA-MNS). Identifiers: Orphanet 2484, MedGen C0025237, MONDO:0010650, OMIM 309350.
Oto-palato-digital syndrome, type II (OPD2). Also called: FACIOPALATOOSSEOUS SYNDROME; Otopalatodigital Syndrome, Type II; OPD II SYNDROME; Otopalatodigital Syndrome Type 2 (FLNA-OPD2). Identifiers: Orphanet 669, Orphanet 90652, MedGen C1844696, MONDO:0010571, OMIM 304120.
Heterotopia, periventricular, X-linked dominant (PVNH1). Also called: PERIVENTRICULAR NODULAR HETEROTOPIA 1; X-linked periventricular heterotopia; PERIVENTRICULAR NODULAR HETEROTOPIA 4; HETEROTOPIA, PERIVENTRICULAR, 1. Identifiers: Orphanet 2149, Orphanet 82004, MedGen C1848213, MONDO:0010233, OMIM 300049.

Allele frequency attached by ClinVar (database versions not stated): TOPMed below 0.00001.

Submission:

Labcorp Genetics (formerly Invitae), Labcorp
Classification: Uncertain significance for Oto-palato-digital syndrome, type II; Heterotopia, periventricular, X-linked dominant; Frontometaphyseal dysplasia; Melnick-Needles syndrome. Last evaluated: 2022-08-23. Review status: criteria provided, single submitter. Criteria: Invitae Variant Classification Sherloc (09022015). Collection method: clinical testing. Allele origin: germline.
Comment: In summary, the available evidence is currently insufficient to determine the role of this variant in disease. Therefore, it has been classified as a Variant of Uncertain Significance. Advanced modeling of protein sequence and biophysical properties (such as structural, functional, and spatial information, amino acid conservation, physicochemical variation, residue mobility, and thermodynamic stability) performed at Invitae indicates that this missense variant is not expected to disrupt FLNA protein function. ClinVar contains an entry for this variant (Variation ID: 1007856). This variant has not been reported in the literature in individuals affected with FLNA-related conditions. This variant is not present in population databases (gnomAD no frequency). This sequence change replaces alanine, which is neutral and non-polar, with valine, which is neutral and non-polar, at codon 1298 of the FLNA protein (p.Ala1298Val).

NM_001110556.2(FLNA):c.3893C>T (p.Ala1298Val)

Gene: FLNA (filamin A; minus strand). Cytogenetic location: Xq28.
Variant type: single nucleotide variant.
Coding change: c.3893C>T on transcript NM_001110556.2 (MANE Select); coding-DNA position 3893, C replaced by T.
Protein change: p.Ala1298Val; replaces alanine 1298 with valine.
Molecular consequence: missense variant.
Genome position (GRCh38, 1-based): chrX:154,359,818, G>A on the plus strand (C>T on the coding strand, the complement: FLNA is on the minus strand). VCF-style: chrX-154359818-G-A. GRCh37 (hg19) VCF-style: chrX-153588186-G-A.
Other names: c.3893C>T, p.Ala1298Val (NM_001456.4); short protein forms A1298V.
Identifiers: ClinVar variation 1007856 (VCV001007856.9), dbSNP rs2067690791, ClinGen allele CA415222075.